The following is an entry in ClinVar:

ClinVar aggregate classification (germline): Conflicting classifications of pathogenicity. Review status: criteria provided, conflicting classifications (1 of 4 stars). 2 submissions from 2 submitters: Likely pathogenic (1); Uncertain significance (1). Last evaluated 2026-04-28.

Conditions:
Jeune thoracic dystrophy. Also called: Jeune syndrome; Infantile thoracic dystrophy; Thoracic pelvic phalangeal dystrophy; Jeune's syndrome; Chondroectodermal dysplasia-like syndrome; Short-rib thoracic dysplasia. Identifiers: Orphanet 474, MedGen C0265275, MONDO:0018770.
Asphyxiating thoracic dystrophy 3. Also called: Saldino-Noonan Syndrome; SHORT-RIB THORACIC DYSPLASIA 3 WITH OR WITHOUT POLYDACTYLY; POLYDACTYLY WITH NEONATAL CHONDRODYSTROPHY, TYPE I; SHORT-RIB THORACIC DYSPLASIA 3/6 WITH POLYDACTYLY, DIGENIC; Short rib polydactyly syndrome 2B. Identifiers: Orphanet 474, Orphanet 93269, Orphanet 93270, Orphanet 93271, MedGen C0036069, MONDO:0013127, OMIM 613091.

gnomAD v4.1: 1 of 1,607,410 alleles (0.000062%); highest among the groups gnomAD compares: Non-Finnish European, 0.000085%; no homozygotes.

Submissions (2):

Myriad Genetics, Inc.
Classification: Uncertain significance for Asphyxiating thoracic dystrophy 3. Last evaluated: 2026-04-28. Review status: criteria provided, single submitter. Criteria: Myriad Autosomal Dominant, Autosomal Recessive and X-Linked Classification Criteria (2023). Collection method: clinical testing. Allele origin: unknown.
Comment: NM_001377.2(DYNC2H1):c.11257-1G>T is a variant in a canonical splice site classified as a variant of uncertain significance in the context of DYNC2H1-related disorders. c.11257-1G>T has not been observed in cases with relevant disease. Relevant functional assessments of this variant are not available in the literature. c.11257-1G>T has not been observed in referenced population frequency databases. In summary, there is insufficient evidence to classify NM_001377.2(DYNC2H1):c.11257-1G>T as pathogenic or benign. Please note: this variant was assessed in the context of healthy population screening.

Labcorp Genetics (formerly Invitae), Labcorp
Classification: Likely pathogenic for Jeune thoracic dystrophy. Last evaluated: 2025-12-30. Review status: criteria provided, single submitter. Criteria: Invitae Variant Classification Sherloc (09022015). Collection method: clinical testing. Allele origin: germline.
Comment: This sequence change affects an acceptor splice site in intron 77 of the DYNC2H1 gene. It is expected to disrupt RNA splicing. Variants that disrupt the donor or acceptor splice site typically lead to a loss of protein function (PMID: 16199547), and loss-of-function variants in DYNC2H1 are known to be pathogenic (PMID: 23339108, 32753734, 33755199). This variant is not present in population databases (gnomAD no frequency). This variant has not been reported in the literature in individuals affected with DYNC2H1-related conditions. Algorithms developed to predict the effect of sequence changes on RNA splicing suggest that this variant may disrupt the consensus splice site. In summary, the currently available evidence indicates that the variant is pathogenic, but additional data are needed to prove that conclusively. Therefore, this variant has been classified as Likely Pathogenic.

Literature cited by the submitters: PubMed 16199547 (cited by Labcorp Genetics (formerly Invitae), Labcorp); PubMed 23339108 (cited by Labcorp Genetics (formerly Invitae), Labcorp); PubMed 32753734 (cited by Labcorp Genetics (formerly Invitae), Labcorp); PubMed 33755199 (cited by Labcorp Genetics (formerly Invitae), Labcorp).

NM_001377.3(DYNC2H1):c.11257-1G>T

Gene: DYNC2H1 (dynein cytoplasmic 2 heavy chain 1; plus strand). Cytogenetic location: 11q22.3.
Variant type: single nucleotide variant.
Coding change: c.11257-1G>T on transcript NM_001377.3 (MANE Select); the canonical splice acceptor site of the intron before coding-DNA position 11257, G replaced by T.
Molecular consequence: splice acceptor variant.
Genome position (GRCh38, 1-based): chr11:103,304,594, G>T. VCF-style: chr11-103304594-G-T. GRCh37 (hg19) VCF-style: chr11-103175323-G-T.
Other names: c.11278-1G>T (NM_001080463.2).
Identifiers: ClinVar variation 4709301 (VCV004709301.2).
Genomic context (GRCh38, chr11:103,304,594, plus strand): 5'-TTATATTACAACATGTTAGCAGATCTGTTTTTAAATTTTGTTTGTTTTTTTGCTTTTGTA[G>T]GTTGCCATGGGTCAAGGTCAAGCTGATTTAGCAATTCAAATGCTAAAAGAATGTGCCCGC-3'